The following is an entry in ClinVar:

NM_183357.3(ADCY5):c.3549C>T (p.Pro1183=)

Gene: ADCY5 (adenylate cyclase 5; minus strand). Cytogenetic location: 3q21.1.
Variant type: single nucleotide variant.
Coding change: c.3549C>T on transcript NM_183357.3 (MANE Select); coding-DNA position 3549, C replaced by T.
Protein change: p.Pro1183=; no amino-acid change (proline 1183 retained).
Molecular consequence: synonymous variant.
Genome position (GRCh38, 1-based): chr3:123,286,793, G>A on the plus strand (C>T on the coding strand, the complement: ADCY5 is on the minus strand). VCF-style: chr3-123286793-G-A. GRCh37 (hg19) VCF-style: chr3-123005640-G-A.
Other names: c.2499C>T, p.Pro833= (NM_001199642.1); c.3624C>T, p.Pro1208= (NM_001378259.1).
Identifiers: ClinVar variation 4821717 (VCV004821717.4).
Genomic context (GRCh38, chr3:123,286,793, plus strand): 5'-CACGGTATTGCCCCAGATGTCGTACTGAGGCTTTCGTGCCCCTATCACCCCGGCCACCAC[G>A]GGGCCGATGTTGAGCCCTGCAGGGGACAGGAATCAGCCACAGTCATCACATCTCTGGCTT-3'
Protein context (NP_899200.1, residues 1173-1193): FQMKIGLNIG[Pro1183=]VVAGVIGARK

ClinVar aggregate classification (germline): Likely benign (1 of 4 stars; one submission).

gnomAD v4.1: 29 of 1,608,572 alleles (0.0018%); highest among the groups gnomAD compares: South Asian, 0.0033%; no homozygotes.

Submission:

CeGaT Center for Human Genetics Tuebingen
Classification: Likely benign. Last evaluated: 2026-03-01. Review status: criteria provided, single submitter. Criteria: CeGaT Center For Human Genetics Tuebingen Variant Classification Criteria Version 2. Collection method: clinical testing. Allele origin: germline. Affected: yes. Observed: 1 variant allele.
Comment: ADCY5: BP4, BP7